The following is an entry in ClinVar:

ClinVar aggregate classification (germline): Uncertain significance. Review status: criteria provided, multiple submitters, no conflicts (2 of 4 stars). 2 submissions from 2 submitters: Uncertain significance (2). Last evaluated 2024-09-30.

Conditions:
Hereditary cancer-predisposing syndrome. Also called: Neoplastic Syndromes, Hereditary; Tumor predisposition; Hereditary Cancer Syndrome; Hereditary neoplastic syndrome. Identifiers: Orphanet 140162, MedGen C0027672, MeSH D009386, MONDO:0015356.
Gastrointestinal stromal tumor. Also called: Gastrointestinal stromal tumor, somatic; Gastrointestinal stroma tumor. Identifiers: Orphanet 44890, MedGen C0238198, MeSH D046152, MONDO:0011719, OMIM 606764, HP:0100723.

gnomAD v4.1: 2 of 1,614,116 alleles (0.00012%); highest among the groups gnomAD compares: Middle Eastern, 0.017%; no homozygotes.

Submissions (2):

Ambry Genetics
Classification: Uncertain significance for Hereditary cancer-predisposing syndrome. Last evaluated: 2024-09-30. Review status: criteria provided, single submitter. Criteria: Ambry Variant Classification Scheme 2023. Collection method: clinical testing. Allele origin: germline.
Comment: The p.N103D variant (also known as c.307A>G), located in coding exon 2 of the PDGFRA gene, results from an A to G substitution at nucleotide position 307. The asparagine at codon 103 is replaced by aspartic acid, an amino acid with highly similar properties. This amino acid position is conserved. In addition, this alteration is predicted to be tolerated by in silico analysis. Based on the available evidence, the clinical significance of this variant remains unclear.

Labcorp Genetics (formerly Invitae), Labcorp
Classification: Uncertain significance for Gastrointestinal stromal tumor. Last evaluated: 2024-01-06. Review status: criteria provided, single submitter. Criteria: Invitae Variant Classification Sherloc (09022015). Collection method: clinical testing. Allele origin: germline.
Comment: This sequence change replaces asparagine, which is neutral and polar, with aspartic acid, which is acidic and polar, at codon 103 of the PDGFRA protein (p.Asn103Asp). This variant is present in population databases (no rsID available, gnomAD 0.006%). This variant has not been reported in the literature in individuals affected with PDGFRA-related conditions. ClinVar contains an entry for this variant (Variation ID: 658073). Advanced modeling of protein sequence and biophysical properties (such as structural, functional, and spatial information, amino acid conservation, physicochemical variation, residue mobility, and thermodynamic stability) performed at Invitae indicates that this missense variant is not expected to disrupt PDGFRA protein function with a negative predictive value of 80%. In summary, the available evidence is currently insufficient to determine the role of this variant in disease. Therefore, it has been classified as a Variant of Uncertain Significance.

NM_006206.6(PDGFRA):c.307A>G (p.Asn103Asp)

Gene: PDGFRA (platelet derived growth factor receptor alpha; plus strand). Cytogenetic location: 4q12.
Variant type: single nucleotide variant.
Coding change: c.307A>G on transcript NM_006206.6 (MANE Select); coding-DNA position 307, A replaced by G.
Protein change: p.Asn103Asp; replaces asparagine 103 with aspartic acid.
Molecular consequence: missense variant.
Genome position (GRCh38, 1-based): chr4:54,261,352, A>G. VCF-style: chr4-54261352-A-G. GRCh37 (hg19) VCF-style: chr4-55127519-A-G.
Other names: c.307A>G, p.Asn103Asp (NM_001347827.2, NM_001347829.2); c.382A>G, p.Asn128Asp (NM_001347828.2); c.346A>G, p.Asn116Asp (NM_001347830.2); short protein forms N128D, N116D, N103D.
Identifiers: ClinVar variation 658073 (VCV000658073.10), dbSNP rs1222128776, ClinGen allele CA356888882.
Genomic context (GRCh38, chr4:54,261,352, plus strand): 5'-ACGGTCTTGGAAGTGAGCAGTGCCTCGGCGGCCCACACAGGGTTGTACACTTGCTATTAC[A>G]ACCACACTCAGACAGAAGAGAATGAGCTTGAAGGCAGGCACATTTACATCTATGTGCCAG-3'
Protein context (NP_006197.1, residues 93-113): AHTGLYTCYY[Asn103Asp]HTQTEENELE